The following is an entry in ClinVar:

NM_001377.3(DYNC2H1):c.4260G>A (p.Glu1420=)

Gene: DYNC2H1 (dynein cytoplasmic 2 heavy chain 1; plus strand). Cytogenetic location: 11q22.3.
Variant type: single nucleotide variant.
Coding change: c.4260G>A on transcript NM_001377.3 (MANE Select); coding-DNA position 4260, G replaced by A.
Protein change: p.Glu1420=; no amino-acid change (glutamic acid 1420 retained).
Molecular consequence: synonymous variant.
Genome position (GRCh38, 1-based): chr11:103,158,809, G>A. VCF-style: chr11-103158809-G-A. GRCh37 (hg19) VCF-style: chr11-103029538-G-A.
Other names: c.4260G>A, p.Glu1420= (NM_001080463.2).
Identifiers: ClinVar variation 4540004 (VCV004540004.1).
Genomic context (GRCh38, chr11:103,158,809, plus strand): 5'-TCTACTAACAATACTTGATCAGCTTCAAAGATGTCAGAAATCATTAAATGAATTTTTGGA[G>A]GCATGTTTTTTAAGAAAAAAATATATAATAAATTGTAAAGTACTTGATATCTTAATTATC-3'
Protein context (NP_001368.2, residues 1410-1430): RCQKSLNEFL[Glu1420=]EKRSAFPRFY

ClinVar aggregate classification (germline): Uncertain significance (1 of 4 stars; one submission).

Submission:

GeneDx
Classification: Uncertain significance. Last evaluated: 2025-06-23. Review status: criteria provided, single submitter. Criteria: GeneDx Variant Classification Process June 2021. Collection method: clinical testing. Allele origin: germline. Affected: yes.
Comment: Not observed at significant frequency in large population cohorts (gnomAD); In silico analysis supports a deleterious effect on splicing; Has not been previously published as pathogenic or benign to our knowledge